The following is an entry in ClinVar:

NM_033198.4(PIGS):c.545T>C (p.Ile182Thr)

Gene: PIGS (phosphatidylinositol glycan anchor biosynthesis class S; minus strand). Cytogenetic location: 17q11.2.
Variant type: single nucleotide variant.
Coding change: c.545T>C on transcript NM_033198.4 (MANE Select); coding-DNA position 545, T replaced by C.
Protein change: p.Ile182Thr; replaces isoleucine 182 with threonine.
Molecular consequence: missense variant.
Genome position (GRCh38, 1-based): chr17:28,561,553, A>G on the plus strand (T>C on the coding strand, the complement: PIGS is on the minus strand). VCF-style: chr17-28561553-A-G. GRCh37 (hg19) VCF-style: chr17-26888571-A-G.
Other names: short protein forms I182T.
Identifiers: ClinVar variation 3257143 (VCV003257143.17).

ClinVar aggregate classification (germline): Uncertain significance (1 of 4 stars; one submission).

gnomAD v4.1: 22 of 1,613,866 alleles (0.0014%); highest among the groups gnomAD compares: Non-Finnish European, 0.0018%; no homozygotes.

Submission:

CeGaT Center for Human Genetics Tuebingen
Classification: Uncertain significance. Last evaluated: 2024-07-01. Review status: criteria provided, single submitter. Criteria: CeGaT Center For Human Genetics Tuebingen Variant Classification Criteria Version 2. Collection method: clinical testing. Allele origin: germline. Affected: yes. Observed: 1 variant allele.
Comment: PIGS: PM2, BP4